The following is an entry in ClinVar:

NM_001868.4(CPA1):c.1243del (p.Thr414_Leu415insTer)

Gene: CPA1 (carboxypeptidase A1; plus strand). Cytogenetic location: 7q32.2.
Variant type: Deletion.
Coding change: c.1243del on transcript NM_001868.4 (MANE Select); coding-DNA position 1243, one base deleted (C; older notation c.1243delC).
Protein change: p.Thr414_Leu415insTer.
Molecular consequence: nonsense.
Genome position (GRCh38, 1-based): chr7:130,387,994, C deleted; the last of 3 consecutive C bases (chr7:130,387,992-130,387,994); deleting any one gives the same sequence. VCF-style (leftmost placement, unchanged base first): chr7-130387991-AC-A. GRCh37 (hg19) VCF-style: chr7-130027832-AC-A.
Identifiers: ClinVar variation 1360297 (VCV001360297.6), dbSNP rs2117509368, ClinGen allele CA2573141738.

ClinVar aggregate classification (germline): Uncertain significance (1 of 4 stars; one submission).

Submission:

Labcorp Genetics (formerly Invitae), Labcorp
Classification: Uncertain significance. Last evaluated: 2021-12-09. Review status: criteria provided, single submitter. Criteria: Invitae Variant Classification Sherloc (09022015). Collection method: clinical testing. Allele origin: germline.
Comment: This sequence change creates a premature translational stop signal (p.Leu415*) in the CPA1 gene. While this is not anticipated to result in nonsense mediated decay, it is expected to disrupt the last 5 amino acid(s) of the CPA1 protein. This variant is not present in population databases (gnomAD no frequency). This variant has not been reported in the literature in individuals affected with CPA1-related conditions. Experimental studies and prediction algorithms are not available or were not evaluated, and the functional significance of this variant is currently unknown. In summary, the available evidence is currently insufficient to determine the role of this variant in disease. Therefore, it has been classified as a Variant of Uncertain Significance.